The following is an entry in ClinVar:

ClinVar aggregate classification (germline): Likely pathogenic (1 of 4 stars; one submission).

Conditions:
Renal cysts and diabetes syndrome (RCAD). Also called: Familial hypoplastic, glomerulocystic kidney; MATURITY-ONSET DIABETES OF THE YOUNG, TYPE 5. Identifiers: Orphanet 93111, MedGen C0431693, MONDO:0007669, OMIM 137920.

Submission:

Institute of Human Genetics, FAU Erlangen, Friedrich-Alexander-Universität Erlangen-Nürnberg
Classification: Likely pathogenic for Renal cysts and diabetes syndrome. Last evaluated: 2019-07-06. Review status: criteria provided, single submitter. Criteria: ACMG Guidelines, 2015. Collection method: literature only. Allele origin: germline. Affected: yes.
Comment: This variant and it's classification has been reported by Vasileiou et al. 2019; DOI:10.1101/576918. The variants has previously been reported in PMID:25700310; PMID:24097065; PMID:25536396 as "c.860G>T; c.860G>T" with clinical significance Pathogenic. It has been re-classified using InterVar and manual curation as Likely pathogenic based on PM1 PM2 PP3 PP5.

Literature cited by the submitters: PubMed 25700310; PubMed 24097065; PubMed 25536396; DOI 10.1101/576918.

NM_000458.4(HNF1B):c.860G>T (p.Gly287Val)

Gene: HNF1B (HNF1 homeobox B; minus strand). Cytogenetic location: 17q12.
Variant type: single nucleotide variant.
Coding change: c.860G>T on transcript NM_000458.4 (MANE Select); coding-DNA position 860, G replaced by T.
Protein change: p.Gly287Val; replaces glycine 287 with valine.
Molecular consequence: missense variant.
Genome position (GRCh38, 1-based): chr17:37,731,780, C>A on the plus strand (G>T on the coding strand, the complement: HNF1B is on the minus strand). VCF-style: chr17-37731780-C-A. GRCh37 (hg19) VCF-style: chr17-36091771-C-A.
Other names: c.782G>T, p.Gly261Val (NM_001165923.4, NM_001304286.2); short protein forms G287V, G261V.
Identifiers: ClinVar variation 635634 (VCV000635634.1), dbSNP rs2033693875, ClinGen allele CA398746950.